The following is an entry in ClinVar:

ClinVar aggregate classification (germline): Benign/Likely benign. Review status: criteria provided, multiple submitters, no conflicts (2 of 4 stars). 17 submissions from 17 submitters: Benign (8); Likely benign (4). 5 of the submissions do not count toward it. Last evaluated 2026-01-28.

Conditions:
APC-related disorder. Also called: APC-related condition.
APC-Associated Polyposis Disorders.
Hereditary cancer-predisposing syndrome. Also called: Tumor predisposition; Hereditary neoplastic syndrome; Neoplastic Syndromes, Hereditary; Hereditary Cancer Syndrome. Identifiers: Orphanet 140162, MedGen C0027672, MeSH D009386, MONDO:0015356.
Familial adenomatous polyposis 1 (FAP1). Also called: FAMILIAL ADENOMATOUS POLYPOSIS 1, ATTENUATED; POLYPOSIS, ADENOMATOUS INTESTINAL. Identifiers: MedGen C2713442, MONDO:0021056, OMIM 175100. Disease mechanism: loss of function.
Carcinoma of colon (CRC). Also called: Colonic carcinoma; Colon carcinoma. Identifiers: MedGen C0699790, MONDO:0002032.

Allele frequency attached by ClinVar (database versions not stated): gnomAD 0.00019 and 0.00023; 1000 Genomes Project 30x 0.00031; TOPMed 0.00032; 1000 Genomes Project 0.00040; ExAC 0.00045; gnomAD exomes 0.00047.
gnomAD v4.1: 179 of 1,613,964 alleles (0.011%); highest among the groups gnomAD compares: East Asian, 0.38%; 1 homozygote.

Submissions (17):

Labcorp Genetics (formerly Invitae), Labcorp
Classification: Benign for Familial adenomatous polyposis 1. Last evaluated: 2026-01-28. Review status: criteria provided, single submitter. Criteria: Invitae Variant Classification Sherloc (09022015). Collection method: clinical testing. Allele origin: germline.

ARUP Laboratories, Molecular Genetics and Genomics, ARUP Laboratories
Classification: Benign. Last evaluated: 2025-05-02. Review status: criteria provided, single submitter. Criteria: ARUP Molecular Germline Variant Investigation Process 2024. Collection method: clinical testing. Allele origin: germline.

Center for Genomic Medicine, Rigshospitalet, Copenhagen University Hospital
Classification: Likely benign. Last evaluated: 2025-03-04. Review status: criteria provided, single submitter. Criteria: ACMG Guidelines, 2015. Collection method: clinical testing. Allele origin: germline.

Blueprint Genetics
Classification: Likely benign. Last evaluated: 2024-04-24. Review status: criteria provided, single submitter. Criteria: ACMG Guidelines, 2015. Collection method: clinical testing. Allele origin: germline.

Myriad Genetics, Inc.
Classification: Benign for Familial adenomatous polyposis 1. Last evaluated: 2024-03-04. Review status: criteria provided, single submitter. Criteria: Myriad Autosomal Dominant, Autosomal Recessive and X-Linked Classification Criteria (2023). Collection method: clinical testing. Allele origin: unknown.
Comment: This variant is considered benign. This variant is a silent/synonymous amino acid change and it is not expected to impact splicing.

Quest Diagnostics Nichols Institute San Juan Capistrano
Classification: Benign. Last evaluated: 2023-03-20. Review status: criteria provided, single submitter. Criteria: Quest Diagnostics criteria. Collection method: clinical testing. Allele origin: unknown.

Sema4
Classification: Benign for Hereditary cancer-predisposing syndrome. Last evaluated: 2021-03-19. Review status: criteria provided, single submitter. Criteria: Sema4 Curation Guidelines. Collection method: curation. Allele origin: germline.

Women's Health and Genetics/Laboratory Corporation of America, LabCorp
Classification: Benign. Last evaluated: 2017-06-09. Review status: criteria provided, single submitter. Criteria: LabCorp Variant Classification Summary - May 2015. Collection method: clinical testing. Allele origin: germline.
Comment: Variant summary: The APC c.1488A>T (p.Thr496Thr) variant involves the alteration of a non-conserved nucleotide, resulting in a synonymous change. One in silico tool predicts a damaging outcome for this variant. 5/5 splice prediction tools predict no significant impact on normal splicing. However, these predictions have yet to be confirmed by functional studies. This variant was found in 55/121488 control chromosomes, predominantly observed in the East Asian subpopulation at a frequency of 0.006028 (52/8626). This frequency is about 84 times the estimated maximal expected allele frequency of a pathogenic APC variant (0.0000714), suggesting this is likely a benign polymorphism found primarily in the populations of East Asian origin. In addition, multiple clinical diagnostic laboratories/reputable databases classified this variant as likely benign/benign. Taken together, this variant is classified as benign.

Illumina Laboratory Services, Illumina
Classification: Likely benign for APC-Associated Polyposis Disorders. Last evaluated: 2017-04-27. Review status: criteria provided, single submitter. Criteria: ICSL Variant Classification Criteria 13 December 2019. Collection method: clinical testing. Allele origin: germline.
Comment: This variant was observed as part of a predisposition screen in an ostensibly healthy population. A literature search was performed for the gene, cDNA change, and amino acid change (where applicable). Publications were found based on this search. The evidence from the literature, in combination with allele frequency data from public databases where available, was sufficient to determine this variant is unlikely to cause disease. Therefore, this variant is classified as likely benign.

Color Diagnostics, LLC DBA Color Health
Classification: Benign for Hereditary cancer-predisposing syndrome. Last evaluated: 2016-03-30. Review status: criteria provided, single submitter. Criteria: ACMG Guidelines, 2015. Collection method: clinical testing. Allele origin: germline.

GeneDx
Classification: Benign. Last evaluated: 2015-03-03. Review status: criteria provided, single submitter. Criteria: GeneDx Variant Classification Process June 2021. Collection method: clinical testing. Allele origin: germline. Affected: yes.

Ambry Genetics
Classification: Likely benign for Hereditary cancer-predisposing syndrome. Last evaluated: 2014-07-24. Review status: criteria provided, single submitter. Criteria: Ambry Variant Classification Scheme 2023. Collection method: clinical testing. Allele origin: germline.

PreventionGenetics, part of Exact Sciences
Classification: Benign for APC-related condition. Last evaluated: 2019-07-11. Review status: no assertion criteria provided. Collection method: clinical testing. Allele origin: germline. Not counted in ClinVar's aggregate classification.
Comment: This variant is classified as benign based on ACMG/AMP sequence variant interpretation guidelines (Richards et al. 2015 PMID: 25741868, with internal and published modifications).

Clinical Genetics DNA and cytogenetics Diagnostics Lab, Erasmus MC, Erasmus Medical Center
Classification: Likely benign. Review status: no assertion criteria provided. Collection method: clinical testing. Allele origin: germline. Affected: yes. Study: VKGL Data-share Consensus. Not counted in ClinVar's aggregate classification.

Clinical Genetics, Academic Medical Center
Classification: Benign. Review status: no assertion criteria provided. Collection method: clinical testing. Allele origin: germline. Affected: yes. Study: VKGL Data-share Consensus. Not counted in ClinVar's aggregate classification.

Department of Pathology and Laboratory Medicine, Sinai Health System
Classification: Benign for Carcinoma of colon. Review status: no assertion criteria provided. Collection method: clinical testing. Allele origin: unknown. Affected: yes. Observed: 1 variant allele. Study: The Canadian Open Genetics Repository (COGR). Not counted in ClinVar's aggregate classification.
Comment: The APC p.Thr496= variant was identified in 1 of 338 proband chromosomes (frequency: 0.01) from individuals or families with colorectal cancer, and was not identified in 244 control chromosomes from healthy individuals (Chang 2016, Chen 2006). The variant was also identified in dbSNP (ID: rs9282599) as â€šÃ„ÃºWith Likely benign alleleâ€šÃ„Ã¹, ClinVar (classified as benign by Invitae, Color Genomics and Integrated Genetics/Laboratory Corporation of America; as likely benign by Ambry Genetics and Quest Diagnostics Nichols Institute San Juan Capistrano), Clinvitae, LOVD 3.0 (Probably does not affect function), or Zhejiang Colon Cancer Database (2X). The variant was not identified in GeneInsight-COGR, Cosmic, or UMD-LSDB databases. The variant was identified in control databases in 123 of 277014 chromosomes (1 homozygous) at a frequency of 0.0004 increasing the likelihood this could be a low frequency benign variant (Genome Aggregation Database Feb 27, 2017). Breakdown of the observations by population include East Asian in 122 of 18852 chromosomes (freq: 0.01), Finnish in 1 of 25786 chromosomes (freq: 0.00004), while the variant was not observed in the African, Other, Latino, European, Ashkenazi Jewish, and South Asian populations. The p.Thr496= variant is not expected to have clinical significance because it does not result in a change of amino acid and is not located in a known consensus splice site. In addition, in silico or computational prediction software programs (SpliceSiteFinder, MaxEntScan, NNSPLICE, GeneSplicer, HumanSpliceFinder) do not predict a difference in splicing. In summary, based on the above information this variant meets our laboratory's criteria to be classified as benign.

Joint Genome Diagnostic Labs from Nijmegen and Maastricht, Radboudumc and MUMC+
Classification: Likely benign. Review status: no assertion criteria provided. Collection method: clinical testing. Allele origin: germline. Affected: yes. Study: VKGL Data-share Consensus. Not counted in ClinVar's aggregate classification.

Literature cited by the submitters: PubMed 26447891 (cited by 3 submitters); PubMed 16569251 (cited by Quest Diagnostics Nichols Institute San Juan Capistrano and Illumina Laboratory Services, Illumina); PubMed 27028212 (cited by Quest Diagnostics Nichols Institute San Juan Capistrano and Women's Health and Genetics/Laboratory Corporation of America, LabCorp); PubMed 26161710 (cited by Illumina Laboratory Services, Illumina).

NM_000038.6(APC):c.1488A>T (p.Thr496=)

Gene: APC (APC regulator of Wnt signaling pathway; plus strand). Cytogenetic location: 5q22.2.
Variant type: single nucleotide variant.
Coding change: c.1488A>T on transcript NM_000038.6 (MANE Select); coding-DNA position 1488, A replaced by T.
Protein change: p.Thr496=; no amino-acid change (threonine 496 retained).
Molecular consequence: synonymous variant.
Genome position (GRCh38, 1-based): chr5:112,827,187, A>T. VCF-style: chr5-112827187-A-T. GRCh37 (hg19) VCF-style: chr5-112162884-A-T.
Other names: c.1488A>T, p.Thr496= (NM_001127510.3, NM_001354895.2); c.1434A>T, p.Thr478= (NM_001127511.3); c.1542A>T, p.Thr514= (NM_001354896.2); c.1518A>T, p.Thr506= (NM_001354897.2); c.1413A>T, p.Thr471= (NM_001354898.2); c.1404A>T, p.Thr468= (NM_001354899.2); c.1365A>T, p.Thr455= (NM_001354900.2); c.1311A>T, p.Thr437= (NM_001354901.2); and 5 more.
Identifiers: ClinVar variation 135684 (VCV000135684.47), dbSNP rs9282599, ClinGen allele CA005208.
Genomic context (GRCh38, chr5:112,827,187, plus strand): 5'-AGAATTATTGCAAGTGGACTGTGAAATGTATGGGCTTACTAATGACCACTACAGTATTAC[A>T]CTAAGACGATATGCTGGAATGGCTTTGACAAACTTGACTTTTGGAGATGTAGCCAACAAG-3'
Protein context (NP_000029.2, residues 486-506): YGLTNDHYSI[Thr496=]LRRYAGMALT